The following is an entry in ClinVar:

ClinVar aggregate classification (germline): Uncertain significance (1 of 4 stars; one submission).

Submission:

Labcorp Genetics (formerly Invitae), Labcorp
Classification: Uncertain significance. Last evaluated: 2025-10-13. Review status: criteria provided, single submitter. Criteria: Invitae Variant Classification Sherloc (09022015). Collection method: clinical testing. Allele origin: germline.
Comment: This sequence change creates a premature translational stop signal (p.Arg171Aspfs*41) in the TARS2 gene. It is expected to result in an absent or disrupted protein product. However, the current clinical and genetic evidence is not sufficient to establish whether loss-of-function variants in TARS2 cause disease. This variant is present in population databases (no rsID available, gnomAD 0.002%). This variant has not been reported in the literature in individuals affected with TARS2-related conditions. In summary, the available evidence is currently insufficient to determine the role of this variant in disease. Therefore, it has been classified as a Variant of Uncertain Significance.

NM_025150.5(TARS2):c.511_512del (p.Arg171fs)

Gene: TARS2 (threonyl-tRNA synthetase 2, mitochondrial; plus strand). Cytogenetic location: 1q21.2.
Variant type: Microsatellite.
Coding change: c.511_512del on transcript NM_025150.5 (MANE Select); coding-DNA positions 511 to 512, 2 bases deleted (AG; older notation c.511_512delAG).
Protein change: p.Arg171fs; shifts the reading frame from arginine 171.
Molecular consequence: frameshift variant. On other transcripts: non-coding transcript variant (1).
Genome position (GRCh38, 1-based): chr1:150,490,724-150,490,725, AG deleted; deleting any 2 consecutive bases within chr1:150,490,721-150,490,725 gives the same sequence; the c. name uses the placement nearest the transcript's 3' end. VCF-style (leftmost placement, unchanged base first): chr1-150490720-GGA-G. GRCh37 (hg19) VCF-style: chr1-150463196-GGA-G.
Other names: c.511_512del, p.Arg171fs (NM_001271895.2, NM_001271896.2); short protein forms R171fs.
Identifiers: ClinVar variation 1468830 (VCV001468830.6), dbSNP rs1294988361, ClinGen allele CA526050443.
Genomic context (GRCh38, chr1:150,490,720, plus strand): 5'-TGTTCTCTGCAGAGGTCCAAGTACAGAATATGGCTTTTACCATGATTTCTTCCTGGGAAA[GGA>G]GAGGTGAGTAATGAAAGGAAGGAGGAGAATGATTCTGGGATGGTTTCTGAGGCTCTTTTC-3'